The following is an entry in ClinVar:

NM_003126.4(SPTA1):c.6672A>C (p.Glu2224Asp)

Gene: SPTA1 (spectrin alpha, erythrocytic 1; minus strand). Cytogenetic location: 1q23.1.
Variant type: single nucleotide variant.
Coding change: c.6672A>C on transcript NM_003126.4 (MANE Select); coding-DNA position 6672, A replaced by C.
Protein change: p.Glu2224Asp; replaces glutamic acid 2224 with aspartic acid.
Molecular consequence: missense variant.
Genome position (GRCh38, 1-based): chr1:158,615,332, T>G on the plus strand (A>C on the coding strand, the complement: SPTA1 is on the minus strand). VCF-style: chr1-158615332-T-G. GRCh37 (hg19) VCF-style: chr1-158585122-T-G.
Other names: c.6672A>C (LRG_1131t1); short protein forms E2224D.
Identifiers: ClinVar variation 258956 (VCV000258956.46), dbSNP rs142775522, ClinGen allele CA1181884.
Genomic context (GRCh38, chr1:158,615,332, plus strand): 5'-CTGGTCCCACTGCTGAGCCAATCCAATGGTGCTGTATTTGATATCAAGGATCAGAGCGTC[T>G]TCCAAGTTGTCCCCCAGGTCCACAATCTTGGTTAGTTGACGCTTCATCGCCTGGATCTCC-3'
Protein context (NP_003117.2, residues 2214-2234): TKIVDLGDNL[Glu2224Asp]DALILDIKYS

ClinVar aggregate classification (germline): Benign/Likely benign. Review status: criteria provided, multiple submitters, no conflicts (2 of 4 stars). 8 submissions from 8 submitters: Benign (2); Likely benign (5). 1 of the submissions does not count toward it. Last evaluated 2026-05-01.

Conditions:
Elliptocytosis 2 (EL2). Also called: ELLIPTOCYTOSIS, RHESUS-UNLINKED TYPE. Identifiers: Orphanet 288, MedGen C1851741, MONDO:0007533, OMIM 130600.
Familial hemolytic anemia. Also called: Congenital hemolytic anemia. Identifiers: MedGen C0002881, MONDO:0003689, HP:0004804.

Allele frequency attached by ClinVar (database versions not stated): gnomAD exomes 0.00049 and 0.00111; ExAC 0.00132; ESP Exome Variant Server 0.00444; gnomAD 0.00468 and 0.00499; TOPMed 0.00480; 1000 Genomes Project 0.00619; 1000 Genomes Project 30x 0.00640.
gnomAD v4.1: 1,449 of 1,614,124 alleles (0.09%); highest among the groups gnomAD compares: African/African-American, 1.7%; 10 homozygotes.

Submissions (8):

CeGaT Center for Human Genetics Tuebingen
Classification: Likely benign. Last evaluated: 2026-05-01. Review status: criteria provided, single submitter. Criteria: CeGaT Center For Human Genetics Tuebingen Variant Classification Criteria Version 2. Collection method: clinical testing. Allele origin: germline. Affected: yes. Observed: 2 variant alleles.
Comment: SPTA1: BP4, BS1

Labcorp Genetics (formerly Invitae), Labcorp
Classification: Benign. Last evaluated: 2025-12-21. Review status: criteria provided, single submitter. Criteria: Invitae Variant Classification Sherloc (09022015). Collection method: clinical testing. Allele origin: germline.

Mayo Clinic Laboratories, Mayo Clinic
Classification: Likely benign. Last evaluated: 2025-05-22. Review status: criteria provided, single submitter. Criteria: ACMG Guidelines, 2015. Collection method: clinical testing. Allele origin: germline. Observed: 21 variant alleles.
Comment: BP4

ARUP Laboratories, Molecular Genetics and Genomics, ARUP Laboratories
Classification: Likely benign. Last evaluated: 2025-03-05. Review status: criteria provided, single submitter. Criteria: ARUP Molecular Germline Variant Investigation Process 2024. Collection method: clinical testing. Allele origin: germline.

Blueprint Genetics
Classification: Likely benign. Last evaluated: 2024-11-01. Review status: criteria provided, single submitter. Criteria: ACMG Guidelines, 2015. Collection method: clinical testing. Allele origin: germline.

Illumina Laboratory Services, Illumina
Classification: Likely benign for Elliptocytosis 2. Last evaluated: 2018-01-13. Review status: criteria provided, single submitter. Criteria: ICSL Variant Classification Criteria 13 December 2019. Collection method: clinical testing. Allele origin: germline.
Comment: This variant was observed in the ICSL laboratory as part of a predisposition screen in an ostensibly healthy population. It had not been previously curated by ICSL or reported in the Human Gene Mutation Database (HGMD: prior to June 1st, 2018), and was therefore a candidate for classification through an automated scoring system. Utilizing variant allele frequency, disease prevalence and penetrance estimates, and inheritance mode, an automated score was calculated to assess if this variant is too frequent to cause the disease. Based on the score and internal cut-off values, a variant classified as likely benign is not then subjected to further curation. The score for this variant resulted in a classification of likely benign for this disease.

PreventionGenetics, part of Exact Sciences
Classification: Benign. Review status: criteria provided, single submitter. Criteria: ACMG Guidelines, 2015. Collection method: clinical testing. Allele origin: germline.

Department of Genetic, Henri Mondor Hospital, Assistance Publique des Hôpitaux de Paris
Classification: Likely pathogenic for Familial hemolytic anemia. Last evaluated: 2018-02-27. Review status: flagged submission. Criteria: ACMG Guidelines, 2015. Collection method: clinical testing. Allele origin: germline. Affected: yes. Not counted in ClinVar's aggregate classification.
ClinVar note: Reason: Outlier claim with insufficient supporting evidence